The following is an entry in ClinVar:

ClinVar aggregate classification (germline): Benign. Review status: criteria provided, multiple submitters, no conflicts (2 of 4 stars). 2 submissions from 2 submitters: Benign (2). Last evaluated 2018-06-14.

Allele frequency attached by ClinVar (database versions not stated): gnomAD 0.31077 and 0.31888; TOPMed 0.31834; gnomAD exomes 0.34472; 1000 Genomes Project 30x 0.38007; 1000 Genomes Project 0.38598.
gnomAD v4.1: 433,786 of 1,267,850 alleles (34%); highest among the groups gnomAD compares: East Asian, 62%; 79,176 homozygotes.

Submissions (2):

GeneDx
Classification: Benign. Last evaluated: 2018-06-14. Review status: criteria provided, single submitter. Criteria: GeneDx Variant Classification (06012015). Collection method: clinical testing. Allele origin: germline. Affected: yes.
Comment: This variant is considered likely benign or benign based on one or more of the following criteria: it is a conservative change, it occurs at a poorly conserved position in the protein, it is predicted to be benign by multiple in silico algorithms, and/or has population frequency not consistent with disease.

Breakthrough Genomics
Classification: Benign. Review status: criteria provided, single submitter. Criteria: ACMG Guidelines, 2015. Collection method: not provided. Allele origin: germline. Inheritance: Autosomal recessive inheritance. Affected: yes.

NM_001848.3(COL6A1):c.1957-82C>T

Gene: COL6A1 (collagen type VI alpha 1 chain; plus strand). Cytogenetic location: 21q22.3.
Variant type: single nucleotide variant.
Coding change: c.1957-82C>T on transcript NM_001848.3 (MANE Select); 82 bases into the intron before coding-DNA position 1957, C replaced by T.
Molecular consequence: intron variant.
Genome position (GRCh38, 1-based): chr21:46,001,879, C>T. VCF-style: chr21-46001879-C-T. GRCh37 (hg19) VCF-style: chr21-47421793-C-T.
Identifiers: ClinVar variation 679197 (VCV000679197.2), dbSNP rs8132377, ClinGen allele CA14875389.
Genomic context (GRCh38, chr21:46,001,879, plus strand): 5'-AGCCAATCGCAGGGGACCCAGGTCCTGAGGTCCTGGGGGCCATGCCACCCTCTGGGCACC[C>T]GCAGCCAATAGAGTCACCCTTGGGAAGCTTATGCGGACCTGGGGCAGCACTCGCGTCCTG-3'